The following is an entry in ClinVar:

ClinVar aggregate classification (germline): Uncertain significance (1 of 4 stars; one submission).

Conditions:
2-aminoadipic 2-oxoadipic aciduria (AAKAD). Also called: ALPHA-AMINOADIPIC AND ALPHA-KETOADIPIC ACIDURIA; Aminoadipic aciduria. Identifiers: Orphanet 79154, MedGen C1859817, MONDO:0008774, OMIM 204750.

Submission:

Labcorp Genetics (formerly Invitae), Labcorp
Classification: Uncertain significance for 2-aminoadipic 2-oxoadipic aciduria. Last evaluated: 2022-06-28. Review status: criteria provided, single submitter. Criteria: Invitae Variant Classification Sherloc (09022015). Collection method: clinical testing. Allele origin: germline.
Comment: In summary, the available evidence is currently insufficient to determine the role of this variant in disease. Therefore, it has been classified as a Variant of Uncertain Significance. Algorithms developed to predict the effect of missense changes on protein structure and function (SIFT, PolyPhen-2, Align-GVGD) all suggest that this variant is likely to be tolerated. This variant has not been reported in the literature in individuals affected with DHTKD1-related conditions. This variant is not present in population databases (gnomAD no frequency). This sequence change replaces threonine, which is neutral and polar, with serine, which is neutral and polar, at codon 258 of the DHTKD1 protein (p.Thr258Ser).

NM_018706.7(DHTKD1):c.773C>G (p.Thr258Ser)

Gene: DHTKD1 (dehydrogenase E1 and transketolase domain containing 1; plus strand). Cytogenetic location: 10p14.
Variant type: single nucleotide variant.
Coding change: c.773C>G on transcript NM_018706.7 (MANE Select); coding-DNA position 773, C replaced by G.
Protein change: p.Thr258Ser; replaces threonine 258 with serine.
Molecular consequence: missense variant.
Genome position (GRCh38, 1-based): chr10:12,089,041, C>G. VCF-style: chr10-12089041-C-G. GRCh37 (hg19) VCF-style: chr10-12131040-C-G.
Other names: short protein forms T258S.
Identifiers: ClinVar variation 2011756 (VCV002011756.4), dbSNP rs2491476737, ClinGen allele CA376018481.